The following is an entry in ClinVar:

NM_000525.4(KCNJ11):c.238del (p.Leu80fs)

Gene: KCNJ11 (potassium inwardly rectifying channel subfamily J member 11; minus strand). Cytogenetic location: 11p15.1.
Variant type: Deletion.
Coding change: c.238del on transcript NM_000525.4 (MANE Select); coding-DNA position 238, one base deleted (C; older notation c.238delC).
Protein change: p.Leu80fs; shifts the reading frame from leucine 80.
Molecular consequence: frameshift variant. On other transcripts: intron variant (3).
Genome position (GRCh38, 1-based): chr11:17,387,854, G deleted on the plus strand (C on the coding strand, the reverse complement: KCNJ11 is on the minus strand); the first of 2 consecutive G bases (chr11:17,387,854-17,387,855); deleting either gives the same sequence. VCF-style (leftmost placement, unchanged base first): chr11-17387853-AG-A. GRCh37 (hg19) VCF-style: chr11-17409400-AG-A.
Other names: c.-16-8del (NM_001166290.2, NM_001377297.1, NM_001377296.1); c.238delC (NM_000525.3); short protein forms L80fs.
Identifiers: ClinVar variation 915359 (VCV000915359.4), dbSNP rs1953589834, ClinGen allele CA1139661843.

ClinVar aggregate classification (germline): Conflicting classifications of pathogenicity. Review status: criteria provided, conflicting classifications (1 of 4 stars). 2 submissions from 2 submitters: Pathogenic (1); Uncertain significance (1). Last evaluated 2020-05-03.

Conditions:
Maturity-onset diabetes of the young (MODY). Also called: Maturity onset diabetes mellitus in young. Identifiers: Orphanet 552, MedGen C0342276, MONDO:0018911, HP:0004904.

Submissions (2):

Genomic Research Center, Shahid Beheshti University of Medical Sciences
Classification: Pathogenic. Last evaluated: 2020-05-03. Review status: criteria provided, single submitter. Criteria: ACMG Guidelines, 2015. Collection method: clinical testing. Allele origin: unknown. Affected: yes.

Clinical Genomics, Uppaluri K&H Personalized Medicine Clinic
Classification: Uncertain significance for Maturity-onset diabetes of the young. Review status: criteria provided, single submitter. Criteria: K & H Uppaluri Personalized Medicine Clinic Variant Classification & Assertion Criteria_Updated V.1. Collection method: research. Allele origin: somatic. Inheritance: Autosomal dominant inheritance.
Comment: Mutations in KCNJ11 gene can cause decreased production and secretion of insulin. This can lead to MODY which may be responsive to oral sulfonylureas. It is also associated with Neonatal Diabetes. However, no sufficient evidence is found to ascertain the role of this particular variant (rs1953589834 ) in MODY yet.

Literature cited by the submitters: PubMed 26448950 (cited by Clinical Genomics, Uppaluri K&H Personalized Medicine Clinic); PubMed 15580558 (cited by Clinical Genomics, Uppaluri K&H Personalized Medicine Clinic); PubMed 15718250 (cited by Clinical Genomics, Uppaluri K&H Personalized Medicine Clinic); PubMed 32935446 (cited by Clinical Genomics, Uppaluri K&H Personalized Medicine Clinic); PubMed 22701567 (cited by Clinical Genomics, Uppaluri K&H Personalized Medicine Clinic).